The following is an entry in ClinVar:

NM_001358921.2(COQ2):c.762+1del

Gene: COQ2 (coenzyme Q2, polyprenyltransferase; minus strand). Cytogenetic location: 4q21.23.
Variant type: Deletion.
Coding change: c.762+1del on transcript NM_001358921.2 (MANE Select); the canonical splice donor site of the intron after coding-DNA position 762, one base deleted (G; older notation c.762+1delG).
Molecular consequence: splice donor variant.
Genome position (GRCh38, 1-based): chr4:83,269,859, C deleted on the plus strand (G on the coding strand, the reverse complement: COQ2 is on the minus strand); the first of 2 consecutive C bases (chr4:83,269,859-83,269,860); deleting either gives the same sequence. VCF-style (leftmost placement, unchanged base first): chr4-83269858-AC-A. GRCh37 (hg19) VCF-style: chr4-84191011-AC-A.
Other names: c.912+1del (NM_015697.9).
Identifiers: ClinVar variation 3906250 (VCV003906250.3).

ClinVar aggregate classification (germline): Pathogenic/Likely pathogenic. Review status: criteria provided, multiple submitters, no conflicts (2 of 4 stars). 2 submissions from 2 submitters: Pathogenic (1); Likely pathogenic (1). Last evaluated 2024-09-30.

Conditions:
Coenzyme Q10 deficiency, primary, 1. Also called: UBIQUINONE DEFICIENCY 1; COENZYME Q DEFICIENCY 1; CoQ DEFICIENCY 1. Identifiers: Orphanet 255249, MedGen C3551954, MONDO:0011829, OMIM 607426.
Multiple system atrophy 1, susceptibility to. Also called: MSA1, SUSCEPTIBILITY TO. Identifiers: MedGen C3714927, MONDO:0020715, OMIM 146500.

Submissions (2):

Department of Pediatrics, Jichi Medical University
Classification: Pathogenic for Coenzyme Q10 deficiency, primary, 1. Last evaluated: 2024-09-30. Review status: criteria provided, single submitter. Criteria: ACMG Guidelines, 2015. Collection method: research. Allele origin: inherited. Affected: yes.

Juno Genomics, Hangzhou Juno Genomics, Inc
Classification: Likely pathogenic for Multiple system atrophy 1, susceptibility to; Coenzyme Q10 deficiency, primary, 1. Review status: criteria provided, single submitter. Criteria: ACMG Guidelines, 2015. Collection method: clinical testing. Allele origin: germline.
Comment: Null variant in a gene where loss of function (LOF) is a known mechanism of disease.;Absent from controls (or at extremely low frequency if recessive) in Genome Aggregation Database.